The following is an entry in ClinVar:

NM_004260.4(RECQL4):c.125A>G (p.Tyr42Cys)

Genes: RECQL4 (RecQ like helicase 4; minus strand), LOC130001411 (ATAC-STARR-seq lymphoblastoid silent region 19699; plus strand). Cytogenetic location: 8q24.3.
Variant type: single nucleotide variant.
Coding change: c.125A>G on transcript NM_004260.4 (MANE Select); coding-DNA position 125, A replaced by G.
Protein change: p.Tyr42Cys; replaces tyrosine 42 with cysteine.
Molecular consequence: missense variant.
Genome position (GRCh38, 1-based): chr8:144,517,502, T>C on the plus strand (A>G on the coding strand, the complement: RECQL4 is on the minus strand). VCF-style: chr8-144517502-T-C. GRCh37 (hg19) VCF-style: chr8-145742886-T-C.
Other names: short protein forms Y42C.
Identifiers: ClinVar variation 1368434 (VCV001368434.6), dbSNP rs1416508252, ClinGen allele CA372692789.

ClinVar aggregate classification (germline): Uncertain significance (1 of 4 stars; one submission).

Conditions:
Baller-Gerold syndrome (BGS). Also called: CRANIOSYNOSTOSIS WITH RADIAL DEFECTS. Identifiers: Orphanet 1225, MedGen C0265308, MONDO:0009039, OMIM 218600.

Allele frequency attached by ClinVar (database versions not stated): gnomAD 0.00001.

Submission:

Labcorp Genetics (formerly Invitae), Labcorp
Classification: Uncertain significance for Baller-Gerold syndrome. Last evaluated: 2023-01-28. Review status: criteria provided, single submitter. Criteria: Invitae Variant Classification Sherloc (09022015). Collection method: clinical testing. Allele origin: germline.
Comment: In summary, the available evidence is currently insufficient to determine the role of this variant in disease. Therefore, it has been classified as a Variant of Uncertain Significance. Experimental studies and prediction algorithms are not available or were not evaluated, and the functional significance of this variant is currently unknown. ClinVar contains an entry for this variant (Variation ID: 1368434). This variant has not been reported in the literature in individuals affected with RECQL4-related conditions. This variant is present in population databases (no rsID available, gnomAD 0.06%). This sequence change replaces tyrosine, which is neutral and polar, with cysteine, which is neutral and slightly polar, at codon 42 of the RECQL4 protein (p.Tyr42Cys).